The following is an entry in ClinVar:

ClinVar aggregate classification (germline): Pathogenic. Review status: criteria provided, multiple submitters, no conflicts (2 of 4 stars). 6 submissions from 5 submitters: Pathogenic (4). 2 of the submissions do not count toward it. Last evaluated 2025-08-28.

Conditions:
Tietz syndrome (TADS). Also called: TIETZ ALBINISM-DEAFNESS SYNDROME; ALBINISM-DEAFNESS OF TIETZ; HYPOPIGMENTATION/DEAFNESS OF TIETZ. Identifiers: Orphanet 42665, MedGen C0391816, MONDO:0007077, OMIM 103500.
Waardenburg syndrome type 2A (WS2A). Also called: WAARDENBURG SYNDROME WITHOUT DYSTOPIA CANTHORUM. Identifiers: Orphanet 3440, MedGen C1860339, MONDO:0008671, OMIM 193510.
Melanoma, cutaneous malignant, susceptibility to, 8. Also called: MELANOMA AND RENAL CELL CARCINOMA, SUSCEPTIBILITY TO; Cutaneous malignant melanoma 8. Identifiers: Orphanet 293822, MedGen C3152204, MONDO:0013759, OMIM 614456.
MITF-related disorder. Also called: MITF-related condition.
Waardenburg syndrome type 1 (WS1). Also called: WAARDENBURG SYNDROME WITH DYSTOPIA CANTHORUM; Waardenburg Syndrome Type I. Identifiers: Orphanet 894, MedGen C1847800, MONDO:0008670, OMIM 193500.

Allele frequency attached by ClinVar (database versions not stated): gnomAD exomes below 0.00001.
gnomAD v4.1: 3 of 1,608,120 alleles (0.00019%); highest among the groups gnomAD compares: Non-Finnish European, 0.00026%; no homozygotes.

Submissions (6):

Labcorp Genetics (formerly Invitae), Labcorp
Classification: Pathogenic for Melanoma, cutaneous malignant, susceptibility to, 8; Waardenburg syndrome type 2A; Tietz syndrome. Last evaluated: 2025-08-28. Review status: criteria provided, single submitter. Criteria: Invitae Variant Classification Sherloc (09022015). Collection method: clinical testing. Allele origin: germline.
Comment: This sequence change affects a donor splice site in intron 7 of the MITF gene. It is expected to disrupt RNA splicing. Variants that disrupt the donor or acceptor splice site typically lead to a loss of protein function (PMID: 16199547), and loss-of-function variants in MITF are known to be pathogenic (PMID: 8659547, 20127975). This variant is not present in population databases (gnomAD no frequency). Disruption of this splice site has been observed in individual(s) with deafness and/or Waardenburg syndrome (PMID: 20127975, 30394532, 31541171, 32013026, 34142234). In at least one individual the variant was observed to be de novo. This variant is also known as c.1013+1G>A. ClinVar contains an entry for this variant (Variation ID: 545015). Algorithms developed to predict the effect of sequence changes on RNA splicing suggest that this variant may disrupt the consensus splice site. For these reasons, this variant has been classified as Pathogenic.

GeneDx
Classification: Pathogenic. Last evaluated: 2023-09-25. Review status: criteria provided, single submitter. Criteria: GeneDx Variant Classification Process June 2021. Collection method: clinical testing. Allele origin: germline. Affected: yes.
Comment: Not observed at significant frequency in large population cohorts (gnomAD); Canonical splice site variant predicted to result in a null allele in a gene for which loss of function is a known mechanism of disease; This variant is associated with the following publications: (PMID: 25525159, 20127975, 32013026, 30394532, 31541171, 34142234)

Blueprint Genetics
Classification: Pathogenic for MITF-related disorders. Last evaluated: 2022-10-10. Review status: criteria provided, single submitter. Criteria: ACMG Guidelines, 2015. Collection method: clinical testing. Allele origin: germline. Affected: yes. Observed: 3 variant alleles.

Genetic Testing Center for Deafness, Department of Otolaryngology Head & Neck Surgery, Institute of Otolaryngology, Chinese PLA General Hospital
Classification: Pathogenic for Waardenburg syndrome type 2A. Last evaluated: 2019-01-01. Review status: criteria provided, single submitter. Criteria: ACMG Guidelines, 2015. Collection method: clinical testing. Allele origin: de novo. Affected: yes.

Genetic Testing Center for Deafness, Department of Otolaryngology Head & Neck Surgery, Institute of Otolaryngology, Chinese PLA General Hospital
Classification: Likely pathogenic for Waardenburg syndrome type 1. Last evaluated: 2019-02-26. Review status: no assertion criteria provided. Collection method: case-control. Allele origin: inherited. Affected: yes. Observed: 1 variant allele. Not counted in ClinVar's aggregate classification.

Kasturba Medical College, Manipal, Kasturba Medical College, Manipal, Manipal Academy of Higher Education, Manipal, India
Classification: Pathogenic for Waardenburg syndrome type 2A. Last evaluated: 2018-05-15. Review status: no assertion criteria provided. Collection method: research. Allele origin: maternal. Inheritance: Autosomal dominant inheritance. Affected: yes. Observed: 2 variant alleles, 2 heterozygotes. Clinical features observed: Hearing impairment (HP:0000365), Heterochromia iridis (HP:0001100). Not counted in ClinVar's aggregate classification.

Literature cited by the submitters: PubMed 16199547 (cited by Labcorp Genetics (formerly Invitae), Labcorp); PubMed 8659547 (cited by Labcorp Genetics (formerly Invitae), Labcorp); PubMed 20127975 (cited by Labcorp Genetics (formerly Invitae), Labcorp); PubMed 30394532 (cited by Labcorp Genetics (formerly Invitae), Labcorp); PubMed 31541171 (cited by Labcorp Genetics (formerly Invitae), Labcorp); PubMed 32013026 (cited by Labcorp Genetics (formerly Invitae), Labcorp); PubMed 34142234 (cited by Labcorp Genetics (formerly Invitae), Labcorp).

NM_001354604.2(MITF):c.1031+1G>A

Gene: MITF (melanocyte inducing transcription factor; plus strand). Cytogenetic location: 3p13.
Variant type: single nucleotide variant.
Coding change: c.1031+1G>A on transcript NM_001354604.2 (MANE Select); the canonical splice donor site of the intron after coding-DNA position 1031, G replaced by A.
Molecular consequence: splice donor variant.
Genome position (GRCh38, 1-based): chr3:69,956,531, G>A. VCF-style: chr3-69956531-G-A. GRCh37 (hg19) VCF-style: chr3-70005682-G-A.
Other names: c.962+1G>A (NM_001354607.2); c.857+1G>A (NM_001354608.2, NM_001184967.2); c.1013+1G>A (NM_198159.3); c.1028+1G>A (NM_001354605.2); c.1010+1G>A (NM_001354606.2, NM_006722.3); c.965+1G>A (NM_198177.3); c.710+1G>A (NM_000248.4); c.692+1G>A (NM_198158.3); and 1 more.
Identifiers: ClinVar variation 545015 (VCV000545015.14), dbSNP rs1559749017, ClinGen allele CA353561855.